The following is an entry in ClinVar:

NM_000435.3(NOTCH3):c.2791A>T (p.Ser931Cys)

Gene: NOTCH3 (notch receptor 3; minus strand). Cytogenetic location: 19p13.12.
Variant type: single nucleotide variant.
Coding change: c.2791A>T on transcript NM_000435.3 (MANE Select); coding-DNA position 2791, A replaced by T.
Protein change: p.Ser931Cys; replaces serine 931 with cysteine.
Molecular consequence: missense variant.
Genome position (GRCh38, 1-based): chr19:15,181,577, T>A on the plus strand (A>T on the coding strand, the complement: NOTCH3 is on the minus strand). VCF-style: chr19-15181577-T-A. GRCh37 (hg19) VCF-style: chr19-15292388-T-A.
Other names: short protein forms S931C.
Identifiers: ClinVar variation 1678629 (VCV001678629.3), dbSNP rs2145423783, ClinGen allele CA404516527.

ClinVar aggregate classification (germline): Conflicting classifications of pathogenicity. Review status: criteria provided, conflicting classifications (1 of 4 stars). 2 submissions from 2 submitters: Likely pathogenic (1); Uncertain significance (1). Last evaluated 2025-10-21.

Conditions:
Cerebral arteriopathy, autosomal dominant, with subcortical infarcts and leukoencephalopathy, type 1 (CADASIL1). Also called: DEMENTIA, HEREDITARY MULTIINFARCT TYPE; CADASIL 1; CASIL; Cerebral arteriopathy with subcortical infarcts and leukoencephalopathy 1. Identifiers: Orphanet 136, MedGen C4551768, MONDO:0000914, OMIM 125310.

Submissions (2):

NHS Central & South Genomic Laboratory Hub
Classification: Likely pathogenic for CADASIL. Last evaluated: 2025-10-21. Review status: criteria provided, single submitter. Criteria: ACMG Guidelines, 2015. Collection method: clinical testing. Allele origin: germline. Affected: yes.

Molecular Genetics, Royal Melbourne Hospital
Classification: Uncertain significance for Cerebral arteriopathy, autosomal dominant, with subcortical infarcts and leukoencephalopathy, type 1. Last evaluated: 2020-07-29. Review status: criteria provided, single submitter. Criteria: ACMG Guidelines, 2015. Collection method: clinical testing. Allele origin: germline. Affected: yes.
Comment: This sequence change is predicted to replace serine with cysteine at codon 931 of the NOTCH3 protein (p.(Ser931Cys)). The serine residue is moderately conserved (100 vertebrates, UCSC), and is in the EGF-like repeat (EGFr) domain 24. Changes to the number of cysteine residues in EGFr domains is a reported mutational mechanism for NOTCH3 (PM1; PMID 19539236). There is a large physicochemical difference between serine and cysteine. This variant also falls at the second last nucleotide of exon 17 of the NOTCH3 coding sequence, which is part of the consensus splice site for this exon. The variant is absent from a large population cohort (PM2; gnomAD v2.1.1). This variant has not been previously reported in disease databases or the medical or scientific literature. Multiple lines of computational evidence predict a impact on splicing (2/2 algorithms), and predict a deleterious effect for the missense substitution (3/4 algorithms) (PP3). There are no reported ex vivo, functional, or splicing studies for this variant. Based on the classification scheme RMH ACMG Guidelines v1.2.1, this variant is classified as a VARIANT OF UNCERTAIN SIGNIFICANCE WITH POTENTIAL CLINICAL RELEVANCE. The following criteria are met: PM1, PM2, PP3.

Literature cited by the submitters: PubMed 19539236 (cited by Molecular Genetics, Royal Melbourne Hospital).